The following is an entry in ClinVar:

ClinVar aggregate classification (germline): Uncertain significance (1 of 4 stars; one submission).

Allele frequency attached by ClinVar (database versions not stated): ExAC 0.00001.
gnomAD v4.1: 2 of 1,613,996 alleles (0.00012%); highest among the groups gnomAD compares: Admixed American, 0.0017%; no homozygotes.

Submission:

Ambry Genetics
Classification: Uncertain significance. Last evaluated: 2021-07-22. Review status: criteria provided, single submitter. Criteria: Ambry Variant Classification Scheme 2023. Collection method: clinical testing. Allele origin: germline.
Comment: The p.T908I variant (also known as c.2723C>T), located in coding exon 17 of the MYOM1 gene, results from a C to T substitution at nucleotide position 2723. The threonine at codon 908 is replaced by isoleucine, an amino acid with similar properties. This amino acid position is conserved. In addition, this alteration is predicted to be tolerated by in silico analysis. Since supporting evidence is limited at this time, the clinical significance of this alteration remains unclear.

NM_003803.4(MYOM1):c.2723C>T (p.Thr908Ile)

Gene: MYOM1 (myomesin 1; minus strand). Cytogenetic location: 18p11.31.
Variant type: single nucleotide variant.
Coding change: c.2723C>T on transcript NM_003803.4 (MANE Select); coding-DNA position 2723, C replaced by T.
Protein change: p.Thr908Ile; replaces threonine 908 with isoleucine.
Molecular consequence: missense variant. On other transcripts: intron variant (1).
Genome position (GRCh38, 1-based): chr18:3,129,303, G>A on the plus strand (C>T on the coding strand, the complement: MYOM1 is on the minus strand). VCF-style: chr18-3129303-G-A. GRCh37 (hg19) VCF-style: chr18-3129301-G-A.
Other names: c.2506+2072C>T (NM_019856.2); short protein forms T908I.
Identifiers: ClinVar variation 1795215 (VCV001795215.2), dbSNP rs758547005, ClinGen allele CA8874544.